The following is an entry in ClinVar:

ClinVar aggregate classification (germline): Conflicting classifications of pathogenicity. Review status: criteria provided, conflicting classifications (1 of 4 stars). 7 submissions from 7 submitters: Uncertain significance (1); Likely benign (5). 1 of the submissions does not count toward it. Last evaluated 2026-01-26.

Conditions:
HMGCS2-related disorder. Also called: HMGCS2-related condition.
3-hydroxy-3-methylglutaryl-CoA synthase deficiency (HMGCS2D). Also called: HMG-CoA synthase-2 deficiency; HMGCS2 DEFICIENCY; MITOCHONDRIAL HMG-CoA SYNTHASE DEFICIENCY. Identifiers: Orphanet 35701, MedGen C2751532, MONDO:0011614, OMIM 605911.

Allele frequency attached by ClinVar (database versions not stated): 1000 Genomes Project 30x 0.00047; 1000 Genomes Project 0.00060; ExAC 0.00183; gnomAD exomes 0.00188; gnomAD 0.00207; TOPMed 0.00238; ESP Exome Variant Server 0.00277.
gnomAD v4.1: 4,659 of 1,611,352 alleles (0.29%); highest among the groups gnomAD compares: Non-Finnish European, 0.35%; 7 homozygotes.

Submissions (7):

Labcorp Genetics (formerly Invitae), Labcorp
Classification: Likely benign for 3-hydroxy-3-methylglutaryl-CoA synthase deficiency. Last evaluated: 2026-01-26. Review status: criteria provided, single submitter. Criteria: Invitae Variant Classification Sherloc (09022015). Collection method: clinical testing. Allele origin: germline.

Blueprint Genetics
Classification: Likely benign. Last evaluated: 2024-11-26. Review status: criteria provided, single submitter. Criteria: ACMG Guidelines, 2015. Collection method: clinical testing. Allele origin: germline.

CeGaT Center for Human Genetics Tuebingen
Classification: Likely benign. Last evaluated: 2022-02-01. Review status: criteria provided, single submitter. Criteria: CeGaT Center For Human Genetics Tuebingen Variant Classification Criteria Version 2. Collection method: clinical testing. Allele origin: germline. Affected: yes. Observed: 1 variant allele.

GeneDx
Classification: Likely benign. Last evaluated: 2019-07-12. Review status: criteria provided, single submitter. Criteria: GeneDx Variant Classification Process June 2021. Collection method: clinical testing. Allele origin: germline. Affected: yes.

ARUP Laboratories, Molecular Genetics and Genomics, ARUP Laboratories
Classification: Uncertain significance. Last evaluated: 2018-05-18. Review status: criteria provided, single submitter. Criteria: ARUP Molecular Germline Variant Investigation Process. Collection method: clinical testing. Allele origin: germline.
Comment: The HMGCS2 c.1522G>A; p.Val508Ile variant (rs76773981), to our knowledge, is not reported in the medical literature; however it is listed in ClinVar as uncertain (Variation ID: 292327). This variant is found in the general population with an overall allele frequency of 0.19% (526/276,942 alleles, including 1 homozygotes) in the Genome Aggregation Database. The valine at codon 508 is moderately conserved but computational analyses (SIFT, PolyPhen-2) predict that this variant is tolerated. Taken together, based on the available evidence, this the clinical significance of this variant is uncertain.

Illumina Laboratory Services, Illumina
Classification: Likely benign for 3-hydroxy-3-methylglutaryl-CoA synthase deficiency. Last evaluated: 2018-01-13. Review status: criteria provided, single submitter. Criteria: ICSL Variant Classification Criteria 13 December 2019. Collection method: clinical testing. Allele origin: germline.
Comment: This variant was observed in the ICSL laboratory as part of a predisposition screen in an ostensibly healthy population. It had not been previously curated by ICSL or reported in the Human Gene Mutation Database (HGMD: prior to June 1st, 2018), and was therefore a candidate for classification through an automated scoring system. Utilizing variant allele frequency, disease prevalence and penetrance estimates, and inheritance mode, an automated score was calculated to assess if this variant is too frequent to cause the disease. Based on the score and internal cut-off values, a variant classified as likely benign is not then subjected to further curation. The score for this variant resulted in a classification of likely benign for this disease.

PreventionGenetics, part of Exact Sciences
Classification: Benign for HMGCS2-related condition. Last evaluated: 2019-11-25. Review status: no assertion criteria provided. Collection method: clinical testing. Allele origin: germline. Not counted in ClinVar's aggregate classification.
Comment: This variant is classified as benign based on ACMG/AMP sequence variant interpretation guidelines (Richards et al. 2015 PMID: 25741868, with internal and published modifications).

NM_005518.4(HMGCS2):c.1522G>A (p.Val508Ile)

Gene: HMGCS2 (3-hydroxy-3-methylglutaryl-CoA synthase 2; minus strand). Cytogenetic location: 1p12.
Variant type: single nucleotide variant.
Coding change: c.1522G>A on transcript NM_005518.4 (MANE Select); coding-DNA position 1522, G replaced by A.
Protein change: p.Val508Ile; replaces valine 508 with isoleucine.
Molecular consequence: missense variant.
Genome position (GRCh38, 1-based): chr1:119,750,807, C>T on the plus strand (G>A on the coding strand, the complement: HMGCS2 is on the minus strand). VCF-style: chr1-119750807-C-T. GRCh37 (hg19) VCF-style: chr1-120293430-C-T.
Other names: c.1396G>A, p.Val466Ile (NM_001166107.1); short protein forms V466I, V508I.
Identifiers: ClinVar variation 292327 (VCV000292327.59), dbSNP rs76773981, ClinGen allele CA1037511.
Genomic context (GRCh38, chr1:119,750,807, plus strand): 5'-GAGGAAGACATTAGGGTTTTATGCCACCAACTCTGCAAACTCTCACTCACCACCTTTAGA[C>T]GGGACGCCGGGCATACTTTCGGCGATGCTGCTCGTCCACTCGCTCCAGGTACCAAGTACC-3'
Protein context (NP_005509.1, residues 498-508): QHRRKYARRP[Val508Ile]